The following is an entry in ClinVar:

ClinVar aggregate classification (germline): Uncertain significance (1 of 4 stars; one submission).

Submission:

GeneDx
Classification: Uncertain significance. Last evaluated: 2025-02-12. Review status: criteria provided, single submitter. Criteria: GeneDx Variant Classification Process June 2021. Collection method: clinical testing. Allele origin: germline. Affected: yes.
Comment: Not observed at significant frequency in large population cohorts (gnomAD); In silico analysis indicates that this missense variant does not alter protein structure/function; Has not been previously published as pathogenic or benign to our knowledge

NM_001368397.1(FRMPD4):c.3923G>C (p.Arg1308Thr)

Gene: FRMPD4 (FERM and PDZ domain containing 4; plus strand). Cytogenetic location: Xp22.2.
Variant type: single nucleotide variant.
Coding change: c.3923G>C on transcript NM_001368397.1 (MANE Select); coding-DNA position 3923, G replaced by C.
Protein change: p.Arg1308Thr; replaces arginine 1308 with threonine.
Molecular consequence: missense variant.
Genome position (GRCh38, 1-based): chrX:12,718,749, G>C. VCF-style: chrX-12718749-G-C. GRCh37 (hg19) VCF-style: chrX-12736868-G-C.
Other names: c.4034G>C, p.Arg1345Thr (NM_001368395.3, NM_001368398.3); c.3929G>C, p.Arg1310Thr (NM_001368396.3); c.3914G>C, p.Arg1305Thr (NM_001368399.3); c.3803G>C, p.Arg1268Thr (NM_001368400.3); c.3899G>C, p.Arg1300Thr (NM_001368401.1, NM_001368402.3); c.3923G>C, p.Arg1308Thr (NM_014728.3); short protein forms R1268T, R1300T, R1305T, R1308T, R1310T, R1345T.
Identifiers: ClinVar variation 4075661 (VCV004075661.1).